The following is an entry in ClinVar:

ClinVar aggregate classification (germline): Uncertain significance (1 of 4 stars; one submission).

Conditions:
Bethlem myopathy 1A. Also called: MYOPATHY, BENIGN CONGENITAL, WITH CONTRACTURES; Bethlem Muscular Dystrophy; Bethlem myopathy 1. Identifiers: Orphanet 610, MedGen CN029274, MONDO:0024530, OMIM 158810.

gnomAD v4.1: 1 of 1,598,912 alleles (0.000063%); no homozygotes.

Submission:

Labcorp Genetics (formerly Invitae), Labcorp
Classification: Uncertain significance for Bethlem myopathy 1A. Last evaluated: 2021-10-14. Review status: criteria provided, single submitter. Criteria: Invitae Variant Classification Sherloc (09022015). Collection method: clinical testing. Allele origin: germline.
Comment: In summary, the available evidence is currently insufficient to determine the role of this variant in disease. Therefore, it has been classified as a Variant of Uncertain Significance. Variants that disrupt the consensus splice site are a relatively common cause of aberrant splicing (PMID: 17576681, 9536098). Algorithms developed to predict the effect of sequence changes on RNA splicing suggest that this variant may disrupt the consensus splice site. This variant has not been reported in the literature in individuals affected with COL6A1-related conditions. This variant is not present in population databases (ExAC no frequency). This sequence change falls in intron 9 of the COL6A1 gene. It does not directly change the encoded amino acid sequence of the COL6A1 protein. It affects a nucleotide within the consensus splice site of the intron.

Literature cited by the submitters: PubMed 17576681; PubMed 9536098.

NM_001848.3(COL6A1):c.858+5G>A

Gene: COL6A1 (collagen type VI alpha 1 chain; plus strand). Cytogenetic location: 21q22.3.
Variant type: single nucleotide variant.
Coding change: c.858+5G>A on transcript NM_001848.3 (MANE Select); 5 bases into the intron after coding-DNA position 858, G replaced by A.
Molecular consequence: intron variant.
Genome position (GRCh38, 1-based): chr21:45,989,142, G>A. VCF-style: chr21-45989142-G-A. GRCh37 (hg19) VCF-style: chr21-47409056-G-A.
Identifiers: ClinVar variation 1439206 (VCV001439206.6), dbSNP rs2123470416, ClinGen allele CA2573157615.
Genomic context (GRCh38, chr21:45,989,142, plus strand): 5'-AGGGAGAACGAGGCAAGCCGGGGCTCCCAGGAGAGAAGGGAGAAGCCGGAGATCCTGTGA[G>A]TGCCTGACTGTGGGGTGGGGGCCCTAAGAAGCTGGAGGCGGGGAACGACTAGGCCTCGGA-3'